The following is an entry in ClinVar:

NM_000176.3(NR3C1):c.192T>G (p.Asp64Glu)

Genes: NR3C1 (nuclear receptor subfamily 3 group C member 1; minus strand), LOC129994918 (ATAC-STARR-seq lymphoblastoid active region 23342; plus strand). Cytogenetic location: 5q31.3.
Variant type: single nucleotide variant.
Coding change: c.192T>G on transcript NM_000176.3 (MANE Select); coding-DNA position 192, T replaced by G.
Protein change: p.Asp64Glu; replaces aspartic acid 64 with glutamic acid.
Molecular consequence: missense variant. On other transcripts: 5 prime UTR variant (6).
Genome position (GRCh38, 1-based): chr5:143,400,648, A>C on the plus strand (T>G on the coding strand, the complement: NR3C1 is on the minus strand). VCF-style: chr5-143400648-A-C. GRCh37 (hg19) VCF-style: chr5-142780213-A-C.
Other names: c.192T>G, p.Asp64Glu (NM_001018074.1, NM_001018075.1, NM_001018076.2 and 10 more transcripts); c.114T>G, p.Asp38Glu (NM_001204258.2); c.-64T>G (NM_001204259.2); c.-76T>G (NM_001204260.2); c.-100T>G (NM_001204261.2); c.-754T>G (NM_001204262.2); c.-799T>G (NM_001204263.2); c.-814T>G (NM_001204264.2); short protein forms D38E, D64E.
Identifiers: ClinVar variation 2912076 (VCV002912076.5), dbSNP rs924576585, ClinGen allele CA129264896.
Genomic context (GRCh38, chr5:143,400,648, plus strand): 5'-GAGTGAAACTGCTTTGGACAGATCTGGCTGCTGCGCATTGCTTACTGAGCCTTTTGGAAA[A>C]TCAACCAAAAGTCTTCGCTGCTTGGAGTCTGATTGAGAAGCGACAGCCAGTGAGGGTGAA-3'
Protein context (NP_000167.1, residues 54-74): SDSKQRRLLV[Asp64Glu]FPKGSVSNAQ

ClinVar aggregate classification (germline): Uncertain significance. Review status: criteria provided, multiple submitters, no conflicts (2 of 4 stars). 3 submissions from 3 submitters: Uncertain significance (3). Last evaluated 2025-05-17.

Conditions:
Inborn genetic diseases. Identifiers: MedGen C0950123, MeSH D030342.
Glucocorticoid resistance. Also called: Glucocorticoid resistance, generalized; Gccr deficiency; Glucocorticoid receptor deficiency; Cortisol resistance from glucocorticoid receptor defect; Gcr deficiency. Identifiers: Orphanet 786, MedGen C1841972, MONDO:0014421, OMIM 615962.

Allele frequency attached by ClinVar (database versions not stated): gnomAD exomes 0.00001; gnomAD 0.00002; TOPMed 0.00002.
gnomAD v4.1: 15 of 1,613,900 alleles (0.00093%); highest among the groups gnomAD compares: Middle Eastern, 0.016%; no homozygotes.

Submissions (3):

Ambry Genetics
Classification: Uncertain significance for Inborn genetic diseases. Last evaluated: 2025-05-17. Review status: criteria provided, single submitter. Criteria: Ambry Variant Classification Scheme 2023. Collection method: clinical testing. Allele origin: germline.

Fulgent Genetics
Classification: Uncertain significance for Glucocorticoid resistance. Last evaluated: 2024-03-20. Review status: criteria provided, single submitter. Criteria: ACMG Guidelines, 2015. Collection method: clinical testing. Allele origin: germline.

Labcorp Genetics (formerly Invitae), Labcorp
Classification: Uncertain significance. Last evaluated: 2023-08-23. Review status: criteria provided, single submitter. Criteria: Invitae Variant Classification Sherloc (09022015). Collection method: clinical testing. Allele origin: germline.
Comment: In summary, the available evidence is currently insufficient to determine the role of this variant in disease. Therefore, it has been classified as a Variant of Uncertain Significance. An algorithm developed to predict the effect of missense changes on protein structure and function (PolyPhen-2) suggests that this variant is likely to be tolerated. This variant has not been reported in the literature in individuals affected with NR3C1-related conditions. This variant is present in population databases (no rsID available, gnomAD 0.003%). This sequence change replaces aspartic acid, which is acidic and polar, with glutamic acid, which is acidic and polar, at codon 64 of the NR3C1 protein (p.Asp64Glu).